The following is an entry in ClinVar:

ClinVar aggregate classification (germline): Likely benign. Review status: criteria provided, multiple submitters, no conflicts (2 of 4 stars). 2 submissions from 2 submitters: Likely benign (2). Last evaluated 2025-10-26.

Conditions:
Immunodeficiency 36 with lymphoproliferation. Also called: Immunodeficiency 36; ACTIVATED PI3K-DELTA SYNDROME 2; Activated PI3K Delta Syndrome Type 2 (APDS2). Identifiers: Orphanet 397596, Orphanet 693681, MedGen C4014934, MONDO:0014453, OMIM 616005.
SHORT syndrome. Also called: LIPODYSTROPHY, PARTIAL, WITH RIEGER ANOMALY AND SHORT STATURE; PIK3R1-Related SHORT Syndrome; SHORT STATURE, HYPEREXTENSIBILITY, HERNIA, OCULAR DEPRESSION, RIEGER ANOMALY, AND TEETHING DELAY. Identifiers: Orphanet 3163, MedGen C0878684, MONDO:0010026, OMIM 269880.
Agammaglobulinemia 7, autosomal recessive (AGM7). Also called: AGAMMAGLOBULINEMIA, AUTOSOMAL RECESSIVE, DUE TO PIK3R1 DEFECT. Identifiers: MedGen C3554689, MONDO:0014083, OMIM 615214.
PIK3R1-related disorder. Also called: PIK3R1-related condition.

Allele frequency attached by ClinVar (database versions not stated): gnomAD exomes 0.00002 and 0.00004; ExAC 0.00003; gnomAD 0.00003.
gnomAD v4.1: 40 of 1,613,192 alleles (0.0025%); highest among the groups gnomAD compares: East Asian, 0.0067%; 1 homozygote.

Submissions (2):

Labcorp Genetics (formerly Invitae), Labcorp
Classification: Likely benign for SHORT syndrome; Immunodeficiency 36 with lymphoproliferation; Agammaglobulinemia 7, autosomal recessive. Last evaluated: 2025-10-26. Review status: criteria provided, single submitter. Criteria: Invitae Variant Classification Sherloc (09022015). Collection method: clinical testing. Allele origin: germline.

PreventionGenetics, part of Exact Sciences
Classification: Likely benign for PIK3R1-related condition. Last evaluated: 2024-10-31. Review status: criteria provided, single submitter. Criteria: ACMG Guidelines, 2015. Collection method: clinical testing. Allele origin: germline.
Comment: This variant is classified as likely benign based on ACMG/AMP sequence variant interpretation guidelines (Richards et al. 2015 PMID: 25741868, with internal and published modifications).

NM_181523.3(PIK3R1):c.513C>T (p.Ser171=)

Gene: PIK3R1 (phosphoinositide-3-kinase regulatory subunit 1; plus strand). Cytogenetic location: 5q13.1.
Variant type: single nucleotide variant.
Coding change: c.513C>T on transcript NM_181523.3 (MANE Select); coding-DNA position 513, C replaced by T.
Protein change: p.Ser171=; no amino-acid change (serine 171 retained).
Molecular consequence: synonymous variant.
Genome position (GRCh38, 1-based): chr5:68,279,612, C>T. VCF-style: chr5-68279612-C-T. GRCh37 (hg19) VCF-style: chr5-67575440-C-T.
Other names: c.513C>T (NM_181523.2).
Identifiers: ClinVar variation 1131312 (VCV001131312.14), dbSNP rs781475250, ClinGen allele CA3290062.